The following is an entry in ClinVar:

NM_001354712.2(THRB):c.*2346T>C

Gene: THRB (thyroid hormone receptor beta; minus strand). Cytogenetic location: 3p24.2.
Variant type: single nucleotide variant.
Coding change: c.*2346T>C on transcript NM_001354712.2 (MANE Select); 2346 bases downstream of the stop codon, T replaced by C.
Molecular consequence: 3 prime UTR variant.
Genome position (GRCh38, 1-based): chr3:24,120,538, A>G on the plus strand (T>C on the coding strand, the complement: THRB is on the minus strand). VCF-style: chr3-24120538-A-G. GRCh37 (hg19) VCF-style: chr3-24162029-A-G.
Other names: c.*2346T>C (NM_000461.5, NM_001128176.3, NM_001128177.2 and 8 more transcripts).
Identifiers: ClinVar variation 344593 (VCV000344593.5), dbSNP rs570471899, ClinGen allele CA10616039.

ClinVar aggregate classification (germline): Benign (1 of 4 stars; one submission).

Conditions:
Thyroid hormone resistance, generalized, autosomal dominant (GRTHD). Also called: HYPERTHYROXINEMIA, FAMILIAL EUTHYROID, SECONDARY TO PITUITARY AND PERIPHERAL RESISTANCE TO THYROID HORMONES. Identifiers: MedGen C2937288, MONDO:0008569, OMIM 188570.

Allele frequency attached by ClinVar (database versions not stated): 1000 Genomes Project 0.00060; 1000 Genomes Project 30x 0.00062; TOPMed 0.00062; gnomAD 0.00064 and 0.00068.
gnomAD v4.1: 95 of 152,408 alleles (0.062%); highest among the groups gnomAD compares: African/African-American, 0.22%; 1 homozygote.

Submission:

Illumina Laboratory Services, Illumina
Classification: Benign for Thyroid hormone resistance, generalized, autosomal dominant. Last evaluated: 2018-01-12. Review status: criteria provided, single submitter. Criteria: ICSL Variant Classification Criteria 13 December 2019. Collection method: clinical testing. Allele origin: germline.
Comment: This variant was observed in the ICSL laboratory as part of a predisposition screen in an ostensibly healthy population. It had not been previously curated by ICSL or reported in the Human Gene Mutation Database (HGMD: prior to June 1st, 2018), and was therefore a candidate for classification through an automated scoring system. Utilizing variant allele frequency, disease prevalence and penetrance estimates, and inheritance mode, an automated score was calculated to assess if this variant is too frequent to cause the disease. Based on the score and internal cut-off values, a variant classified as benign is not then subjected to further curation. The score for this variant resulted in a classification of benign for this disease.